The following is an entry in ClinVar:

NM_001605.3(AARS1):c.2465T>C (p.Leu822Pro)

Gene: AARS1 (alanyl-tRNA synthetase 1; minus strand). Cytogenetic location: 16q22.1.
Variant type: single nucleotide variant.
Coding change: c.2465T>C on transcript NM_001605.3 (MANE Select); coding-DNA position 2465, T replaced by C.
Protein change: p.Leu822Pro; replaces leucine 822 with proline.
Molecular consequence: missense variant.
Genome position (GRCh38, 1-based): chr16:70,253,974, A>G on the plus strand (T>C on the coding strand, the complement: AARS1 is on the minus strand). VCF-style: chr16-70253974-A-G. GRCh37 (hg19) VCF-style: chr16-70287877-A-G.
Other names: short protein forms L822P.
Identifiers: ClinVar variation 3924224 (VCV003924224.2).

ClinVar aggregate classification (germline): Uncertain significance. Review status: criteria provided, multiple submitters, no conflicts (2 of 4 stars). 2 submissions from 2 submitters: Uncertain significance (2). Last evaluated 2026-01-12.

Conditions:
Charcot-Marie-Tooth disease type 2. Also called: Charcot-Marie-Tooth type 2. Identifiers: Orphanet 64746, MedGen C0270914, MONDO:0018993.
Inborn genetic diseases. Identifiers: MedGen C0950123, MeSH D030342.

gnomAD v4.1: 1 of 1,614,062 alleles (0.000062%); highest among the groups gnomAD compares: Non-Finnish European, 0.000085%; no homozygotes.

Submissions (2):

Labcorp Genetics (formerly Invitae), Labcorp
Classification: Uncertain significance for Charcot-Marie-Tooth disease type 2. Last evaluated: 2026-01-12. Review status: criteria provided, single submitter. Criteria: Invitae Variant Classification Sherloc (09022015). Collection method: clinical testing. Allele origin: germline.
Comment: This sequence change replaces leucine, which is neutral and non-polar, with proline, which is neutral and non-polar, at codon 822 of the AARS protein (p.Leu822Pro). This variant is not present in population databases (gnomAD no frequency). This variant has not been reported in the literature in individuals affected with AARS-related conditions. ClinVar contains an entry for this variant (Variation ID: 3924224). Invitae Evidence Modeling of protein sequence and biophysical properties (such as structural, functional, and spatial information, amino acid conservation, physicochemical variation, residue mobility, and thermodynamic stability) has been performed for this missense variant. However, the output from this modeling did not meet the statistical confidence thresholds required to predict the impact of this variant on AARS protein function. In summary, the available evidence is currently insufficient to determine the role of this variant in disease. Therefore, it has been classified as a Variant of Uncertain Significance.

Ambry Genetics
Classification: Uncertain significance for Inborn genetic diseases. Last evaluated: 2025-04-25. Review status: criteria provided, single submitter. Criteria: Ambry Variant Classification Scheme 2023. Collection method: clinical testing. Allele origin: germline.